The following is an entry in ClinVar:

NM_000059.4(BRCA2):c.3460_3461insG (p.Thr1154fs)

Gene: BRCA2 (BRCA2 DNA repair associated; plus strand). Cytogenetic location: 13q13.1.
Variant type: Insertion.
Coding change: c.3460_3461insG on transcript NM_000059.4 (MANE Select); coding-DNA positions 3460 to 3461, G inserted.
Protein change: p.Thr1154fs; shifts the reading frame from threonine 1154.
Molecular consequence: frameshift variant. On other transcripts: non-coding transcript variant (1), intron variant (2).
Genome position: GRCh38 VCF-style: chr13-32337815-A-AG. GRCh37 (hg19) VCF-style: chr13-32911952-A-AG.
Other names: c.3460_3461insG, p.Thr1154fs (NM_001406719.1, NM_001406720.1); c.1909+4428_1909+4429insG (NM_001406721.1); c.425-6743_425-6742insG (NM_001406722.1); short protein forms T1154fs.
Identifiers: ClinVar variation 2674524 (VCV002674524.1), dbSNP rs2548526023, ClinGen allele CA2695199689.

ClinVar aggregate classification (germline): Pathogenic (1 of 4 stars; one submission).

Conditions:
Breast-ovarian cancer, familial, susceptibility to, 2 (BROVCA2). Also called: BRCA2 Hereditary Breast and Ovarian Cancer. Identifiers: Orphanet 145, MedGen C2675520, MONDO:0012933, OMIM 612555. Disease mechanism: loss of function.

Submission:

Myriad Genetics, Inc.
Classification: Pathogenic for Breast-ovarian cancer, familial, susceptibility to, 2. Last evaluated: 2023-08-22. Review status: criteria provided, single submitter. Criteria: Myriad Autosomal Dominant, Autosomal Recessive and X-Linked Classification Criteria (2023). Collection method: clinical testing. Allele origin: unknown.
Comment: This variant is considered pathogenic. This variant creates a frameshift predicted to result in premature protein truncation.